The following is an entry in ClinVar:

ClinVar aggregate classification (germline): Likely benign (1 of 4 stars; one submission).

Submission:

CeGaT Center for Human Genetics Tuebingen
Classification: Likely benign. Last evaluated: 2023-02-01. Review status: criteria provided, single submitter. Criteria: CeGaT Center For Human Genetics Tuebingen Variant Classification Criteria Version 2. Collection method: clinical testing. Allele origin: germline. Affected: yes. Observed: 1 variant allele.
Comment: CYLD: BP4, BP7

NM_001378743.1(CYLD):c.1110A>G (p.Lys370=)

Gene: CYLD (CYLD lysine 63 deubiquitinase; plus strand). Cytogenetic location: 16q12.1.
Variant type: single nucleotide variant.
Coding change: c.1110A>G on transcript NM_001378743.1 (MANE Select); coding-DNA position 1110, A replaced by G.
Protein change: p.Lys370=; no amino-acid change (lysine 370 retained).
Molecular consequence: synonymous variant. On other transcripts: non-coding transcript variant (1).
Genome position (GRCh38, 1-based): chr16:50,777,913, A>G. VCF-style: chr16-50777913-A-G. GRCh37 (hg19) VCF-style: chr16-50811824-A-G.
Other names: c.1101A>G, p.Lys367= (NM_001042355.2, NM_001042412.3, NM_001378744.1 and 9 more transcripts); c.435A>G, p.Lys145= (NM_001378754.1, NM_001378755.1); c.1110A>G, p.Lys370= (NM_015247.3).
Identifiers: ClinVar variation 2646515 (VCV002646515.24), dbSNP rs1488495041, ClinGen allele CA495449650.
Genomic context (GRCh38, chr16:50,777,913, plus strand): 5'-CAGATCTGAATTATTTTATACCTTAAATGGGTCTTCTGTTGACTCACAACCACAATCCAA[A>G]TCAAAAAATACATGGTACATTGATGAAGGTAATCAGTAATTTTAGTGTTCTTTATAATGA-3'
Protein context (NP_001365672.1, residues 360-380): GSSVDSQPQS[Lys370=]SKNTWYIDEV